The following is an entry in ClinVar:

NM_002662.5(PLD1):c.3082G>A (p.Glu1028Lys)

Gene: PLD1 (phospholipase D1; minus strand). Cytogenetic location: 3q26.31.
Variant type: single nucleotide variant.
Coding change: c.3082G>A on transcript NM_002662.5 (MANE Select); coding-DNA position 3082, G replaced by A.
Protein change: p.Glu1028Lys; replaces glutamic acid 1028 with lysine.
Molecular consequence: missense variant.
Genome position (GRCh38, 1-based): chr3:171,603,221, C>T on the plus strand (G>A on the coding strand, the complement: PLD1 is on the minus strand). VCF-style: chr3-171603221-C-T. GRCh37 (hg19) VCF-style: chr3-171321011-C-T.
Other names: c.2968G>A, p.Glu990Lys (NM_001130081.3); short protein forms E990K, E1028K.
Identifiers: ClinVar variation 2854792 (VCV002854792.3), dbSNP rs2473491172, ClinGen allele CA355528361.

ClinVar aggregate classification (germline): Uncertain significance (1 of 4 stars; one submission).

Allele frequency attached by ClinVar (database versions not stated): gnomAD exomes below 0.00001.

Submission:

Labcorp Genetics (formerly Invitae), Labcorp
Classification: Uncertain significance. Last evaluated: 2024-10-21. Review status: criteria provided, single submitter. Criteria: Invitae Variant Classification Sherloc (09022015). Collection method: clinical testing. Allele origin: germline.
Comment: This sequence change replaces glutamic acid, which is acidic and polar, with lysine, which is basic and polar, at codon 1028 of the PLD1 protein (p.Glu1028Lys). This variant is not present in population databases (gnomAD no frequency). This variant has not been reported in the literature in individuals affected with PLD1-related conditions. Invitae Evidence Modeling of protein sequence and biophysical properties (such as structural, functional, and spatial information, amino acid conservation, physicochemical variation, residue mobility, and thermodynamic stability) indicates that this missense variant is not expected to disrupt PLD1 protein function with a negative predictive value of 80%. In summary, the available evidence is currently insufficient to determine the role of this variant in disease. Therefore, it has been classified as a Variant of Uncertain Significance.